The following is an entry in ClinVar:

ClinVar aggregate classification (germline): other (0 of 4 stars; one submission).

Conditions:
Familial colorectal cancer. Identifiers: MedGen CN280943, MONDO:0023113. Disease mechanism: loss of function.

Submission:

Systems Biology Platform Zhejiang California International NanoSystems Institute
Classification: other for Familial colorectal cancer. Review status: no assertion criteria provided. Collection method: not provided. Allele origin: unknown.
ClinVar note: Converted during submission from cancer to other.

NM_000038.6(APC):c.-19+1830G>A

Gene: APC (APC regulator of WNT signaling pathway; plus strand). Cytogenetic location: 5q22.2.
Variant type: single nucleotide variant.
Coding change: c.-19+1830G>A on transcript NM_000038.6 (MANE Select); 1830 bases into the intron after 19 bases upstream of the start codon, G replaced by A.
Molecular consequence: intron variant.
Genome position (GRCh38, 1-based): chr5:112,739,755, G>A. VCF-style: chr5-112739755-G-A. GRCh37 (hg19) VCF-style: chr5-112075452-G-A.
Other names: c.-18-15118G>A (NM_001354895.2); c.166-26571G>A (NM_001354897.2, NM_001354902.2, NM_001127511.3); c.-19+1295G>A (NM_001127510.3); c.60+1295G>A (NM_001354898.2, NM_001354904.2); c.-1054+1830G>A (NM_001354906.2); c.-19+1830G>A (NM_001354896.2, NM_001354903.2, NM_001354899.2); c.-43+1830G>A (NM_001354900.2, NM_001354901.2, NM_001354905.2).
Identifiers: ClinVar variation 82753 (VCV000082753.2), dbSNP rs79827817, ClinGen allele CA006382.